The following is an entry in ClinVar:

ClinVar aggregate classification (germline): Uncertain significance. Review status: criteria provided, multiple submitters, no conflicts (2 of 4 stars). 3 submissions from 3 submitters: Uncertain significance (3). Last evaluated 2024-12-25.

Conditions:
Familial thoracic aortic aneurysm and aortic dissection (TAAD). Also called: Thoracic aortic aneurysms and dissections. Identifiers: Orphanet 91387, MedGen C4707243, MONDO:0019625.
Aortic aneurysm, familial thoracic 7 (AAT7). Also called: AORTIC DISSECTION, FAMILIAL, WITH OR WITHOUT AORTIC ANEURYSM. Identifiers: MedGen C3151077, MONDO:0013418, OMIM 613780.

Allele frequency attached by ClinVar (database versions not stated): gnomAD 0.00004 and 0.00005; gnomAD exomes 0.00004 and 0.00007; ExAC 0.00006; TOPMed 0.00006.
gnomAD v4.1: 65 of 1,613,822 alleles (0.004%); highest among the groups gnomAD compares: East Asian, 0.06%; no homozygotes.

Submissions (3):

Labcorp Genetics (formerly Invitae), Labcorp
Classification: Uncertain significance for Aortic aneurysm, familial thoracic 7. Last evaluated: 2024-12-25. Review status: criteria provided, single submitter. Criteria: Invitae Variant Classification Sherloc (09022015). Collection method: clinical testing. Allele origin: germline.
Comment: This sequence change replaces arginine, which is basic and polar, with glutamine, which is neutral and polar, at codon 1344 of the MYLK protein (p.Arg1344Gln). This variant is present in population databases (rs774223564, gnomAD 0.1%). This missense change has been observed in individual(s) with aortic dissection (PMID: 30056620). ClinVar contains an entry for this variant (Variation ID: 519992). Invitae Evidence Modeling of protein sequence and biophysical properties (such as structural, functional, and spatial information, amino acid conservation, physicochemical variation, residue mobility, and thermodynamic stability) indicates that this missense variant is not expected to disrupt MYLK protein function with a negative predictive value of 80%. In summary, the available evidence is currently insufficient to determine the role of this variant in disease. Therefore, it has been classified as a Variant of Uncertain Significance.

Ambry Genetics
Classification: Uncertain significance for Familial thoracic aortic aneurysm and aortic dissection. Last evaluated: 2024-12-09. Review status: criteria provided, single submitter. Criteria: Ambry Variant Classification Scheme 2023. Collection method: clinical testing. Allele origin: germline.
Comment: The p.R1344Q variant (also known as c.4031G>A), located in coding exon 21 of the MYLK gene, results from a G to A substitution at nucleotide position 4031. The arginine at codon 1344 is replaced by glutamine, an amino acid with highly similar properties. This amino acid position is highly conserved in available vertebrate species. In addition, this alteration is predicted to be tolerated by in silico analysis. Since supporting evidence is limited at this time, the clinical significance of this alteration remains unclear.

GeneDx
Classification: Uncertain significance. Last evaluated: 2024-02-21. Review status: criteria provided, single submitter. Criteria: GeneDx Variant Classification Process June 2021. Collection method: clinical testing. Allele origin: germline. Affected: yes.
Comment: In silico analysis supports that this missense variant does not alter protein structure/function; This variant is associated with the following publications: (PMID: 30056620)

Literature cited by the submitters: PubMed 30056620 (cited by Labcorp Genetics (formerly Invitae), Labcorp and Ambry Genetics).

NM_053025.4(MYLK):c.4031G>A (p.Arg1344Gln)

Gene: MYLK (myosin light chain kinase; minus strand). Cytogenetic location: 3q21.1.
Variant type: single nucleotide variant.
Coding change: c.4031G>A on transcript NM_053025.4 (MANE Select); coding-DNA position 4031, G replaced by A.
Protein change: p.Arg1344Gln; replaces arginine 1344 with glutamine.
Molecular consequence: missense variant.
Genome position (GRCh38, 1-based): chr3:123,657,383, C>T on the plus strand (G>A on the coding strand, the complement: MYLK is on the minus strand). VCF-style: chr3-123657383-C-T. GRCh37 (hg19) VCF-style: chr3-123376230-C-T.
Other names: c.3503G>A, p.Arg1168Gln (NM_001321309.2); c.3824G>A, p.Arg1275Gln (NM_053026.4, NM_053028.4); c.4031G>A, p.Arg1344Gln (NM_053027.4); short protein forms R1344Q, R1275Q, R1168Q.
Identifiers: ClinVar variation 519992 (VCV000519992.17), dbSNP rs774223564, ClinGen allele CA070845.